The following is an entry in ClinVar:

ClinVar aggregate classification (germline): Uncertain significance (1 of 4 stars; one submission).

Submission:

Labcorp Genetics (formerly Invitae), Labcorp
Classification: Uncertain significance. Last evaluated: 2025-01-23. Review status: criteria provided, single submitter. Criteria: Invitae Variant Classification Sherloc (09022015). Collection method: clinical testing. Allele origin: germline.
Comment: This sequence change replaces aspartic acid, which is acidic and polar, with glutamic acid, which is acidic and polar, at codon 920 of the KIDINS220 protein (p.Asp920Glu). This variant is not present in population databases (gnomAD no frequency). This variant has not been reported in the literature in individuals affected with KIDINS220-related conditions. An algorithm developed to predict the effect of missense changes on protein structure and function (PolyPhen-2) suggests that this variant is likely to be disruptive. In summary, the available evidence is currently insufficient to determine the role of this variant in disease. Therefore, it has been classified as a Variant of Uncertain Significance.

NM_020738.4(KIDINS220):c.2760T>A (p.Asp920Glu)

Gene: KIDINS220 (kinase D interacting substrate 220; minus strand). Cytogenetic location: 2p25.1.
Variant type: single nucleotide variant.
Coding change: c.2760T>A on transcript NM_020738.4 (MANE Select); coding-DNA position 2760, T replaced by A.
Protein change: p.Asp920Glu; replaces aspartic acid 920 with glutamic acid.
Molecular consequence: missense variant. On other transcripts: non-coding transcript variant (2).
Genome position (GRCh38, 1-based): chr2:8,776,836, A>T on the plus strand (T>A on the coding strand, the complement: KIDINS220 is on the minus strand). VCF-style: chr2-8776836-A-T. GRCh37 (hg19) VCF-style: chr2-8916966-A-T.
Other names: c.2760T>A, p.Asp920Glu (NM_001348738.2, NM_001348741.2, NM_001348742.2 and 3 more transcripts); c.2763T>A, p.Asp921Glu (NM_001348739.2, NM_001348740.2, NM_001348745.2 and 3 more transcripts); c.2634T>A, p.Asp878Glu (NM_001348736.2); short protein forms D921E, D920E, D878E.
Identifiers: ClinVar variation 3729060 (VCV003729060.2).
Genomic context (GRCh38, chr2:8,776,836, plus strand): 5'-TCTCATGGTCTGGGGACTGATGTCACTGAACCAGTCCTCGGTAACCAGCAGTTTTGTAAG[A>T]TCAAAGGACATCTGGCGAGTGATGGTCCTCTGCATCTGCCTTCTTCGGTAAGTGTCCTGA-3'
Protein context (NP_065789.1, residues 910-930): QRTITRQMSF[Asp920Glu]LTKLLVTEDW